The following is an entry in ClinVar:

ClinVar aggregate classification (germline): Uncertain significance. Review status: criteria provided, multiple submitters, no conflicts (2 of 4 stars). 3 submissions from 3 submitters: Uncertain significance (3). Last evaluated 2024-06-05.

Conditions:
Inborn genetic diseases. Identifiers: MedGen C0950123, MeSH D030342.

Allele frequency attached by ClinVar (database versions not stated): gnomAD 0.00004; gnomAD exomes 0.00005; ExAC 0.00006; TOPMed 0.00007.
gnomAD v4.1: 72 of 1,613,856 alleles (0.0045%); highest among the groups gnomAD compares: Middle Eastern, 0.082%; no homozygotes.

Submissions (3):

Ambry Genetics
Classification: Uncertain significance for Inborn genetic diseases. Last evaluated: 2024-06-05. Review status: criteria provided, single submitter. Criteria: Ambry Variant Classification Scheme 2023. Collection method: clinical testing. Allele origin: germline.

Labcorp Genetics (formerly Invitae), Labcorp
Classification: Uncertain significance. Last evaluated: 2022-08-09. Review status: criteria provided, single submitter. Criteria: Invitae Variant Classification Sherloc (09022015). Collection method: clinical testing. Allele origin: germline.
Comment: This sequence change replaces serine, which is neutral and polar, with leucine, which is neutral and non-polar, at codon 392 of the ABHD12 protein (p.Ser392Leu). This variant is present in population databases (rs779918381, gnomAD 0.02%). This variant has not been reported in the literature in individuals affected with ABHD12-related conditions. ClinVar contains an entry for this variant (Variation ID: 1329730). Algorithms developed to predict the effect of missense changes on protein structure and function (SIFT, PolyPhen-2, Align-GVGD) all suggest that this variant is likely to be tolerated. In summary, the available evidence is currently insufficient to determine the role of this variant in disease. Therefore, it has been classified as a Variant of Uncertain Significance.

GeneDx
Classification: Uncertain significance. Last evaluated: 2021-06-25. Review status: criteria provided, single submitter. Criteria: GeneDx Variant Classification Process June 2021. Collection method: clinical testing. Allele origin: germline. Affected: yes.
Comment: In silico analysis supports that this missense variant does not alter protein structure/function; Has not been previously published as pathogenic or benign to our knowledge; This variant is associated with the following publications: (PMID: 27535533)

NM_001042472.3(ABHD12):c.1175C>T (p.Ser392Leu)

Gene: ABHD12 (abhydrolase domain containing 12, lysophospholipase; minus strand). Cytogenetic location: 20p11.21.
Variant type: single nucleotide variant.
Coding change: c.1175C>T on transcript NM_001042472.3 (MANE Select); coding-DNA position 1175, C replaced by T.
Protein change: p.Ser392Leu; replaces serine 392 with leucine.
Molecular consequence: missense variant. On other transcripts: intron variant (1).
Genome position (GRCh38, 1-based): chr20:25,300,867, G>A on the plus strand (C>T on the coding strand, the complement: ABHD12 is on the minus strand). VCF-style: chr20-25300867-G-A. GRCh37 (hg19) VCF-style: chr20-25281503-G-A.
Other names: c.1157+1352C>T (NM_015600.5); short protein forms S392L.
Identifiers: ClinVar variation 1329730 (VCV001329730.6), dbSNP rs779918381, ClinGen allele CA9795792.